The following is an entry in ClinVar:

ClinVar aggregate classification (germline): Uncertain significance. Review status: criteria provided, multiple submitters, no conflicts (2 of 4 stars). 2 submissions from 2 submitters: Uncertain significance (2). Last evaluated 2021-07-24.

Conditions:
Inborn genetic diseases. Identifiers: MedGen C0950123, MeSH D030342.

Submissions (2):

Labcorp Genetics (formerly Invitae), Labcorp
Classification: Uncertain significance. Last evaluated: 2021-07-24. Review status: criteria provided, single submitter. Criteria: Invitae Variant Classification Sherloc (09022015). Collection method: clinical testing. Allele origin: germline.
Comment: This sequence change replaces asparagine with serine at codon 139 of the HSD17B10 protein (p.Asn139Ser). The asparagine residue is highly conserved and there is a small physicochemical difference between asparagine and serine. In summary, the available evidence is currently insufficient to determine the role of this variant in disease. Therefore, it has been classified as a Variant of Uncertain Significance. Algorithms developed to predict the effect of missense changes on protein structure and function are either unavailable or do not agree on the potential impact of this missense change (SIFT: "Tolerated"; PolyPhen-2: "Possibly Damaging"; Align-GVGD: "Class C0"). ClinVar contains an entry for this variant (Variation ID: 985330). This variant has not been reported in the literature in individuals affected with HSD17B10-related conditions. This variant is not present in population databases (ExAC no frequency).

Ambry Genetics
Classification: Uncertain significance for Inborn genetic diseases. Last evaluated: 2019-07-12. Review status: criteria provided, single submitter. Criteria: Ambry exome assertion method (8-5-2015). Collection method: clinical testing. Allele origin: germline. Affected: yes. Observed: 1 variant allele.

NM_004493.3(HSD17B10):c.416A>G (p.Asn139Ser)

Gene: HSD17B10 (hydroxysteroid 17-beta dehydrogenase 10; minus strand). Cytogenetic location: Xp11.22.
Variant type: single nucleotide variant.
Coding change: c.416A>G on transcript NM_004493.3 (MANE Select); coding-DNA position 416, A replaced by G.
Protein change: p.Asn139Ser; replaces asparagine 139 with serine.
Molecular consequence: missense variant.
Genome position (GRCh38, 1-based): chrX:53,432,058, T>C on the plus strand (A>G on the coding strand, the complement: HSD17B10 is on the minus strand). VCF-style: chrX-53432058-T-C. GRCh37 (hg19) VCF-style: chrX-53459006-T-C.
Other names: c.416A>G, p.Asn139Ser (NM_001037811.2); short protein forms N139S.
Identifiers: ClinVar variation 985330 (VCV000985330.10), dbSNP rs2075826960, ClinGen allele CA413152189.